The following is an entry in ClinVar:

ClinVar aggregate classification (germline): Pathogenic (1 of 4 stars; one submission).

Conditions:
Hypertrophic cardiomyopathy. Also called: HYPERTROPHIC MYOCARDIOPATHY. Identifiers: Orphanet 217569, MedGen C0007194, MeSH D002312, MONDO:0005045, HP:0001639.

Submission:

Labcorp Genetics (formerly Invitae), Labcorp
Classification: Pathogenic for Hypertrophic cardiomyopathy. Last evaluated: 2025-01-27. Review status: criteria provided, single submitter. Criteria: Invitae Variant Classification Sherloc (09022015). Collection method: clinical testing. Allele origin: germline.
Comment: This sequence change affects a donor splice site in intron 6 of the MYBPC3 gene. It is expected to disrupt RNA splicing. Variants that disrupt the donor or acceptor splice site typically lead to a loss of protein function (PMID: 16199547), and loss-of-function variants in MYBPC3 are known to be pathogenic (PMID: 19574547). This variant is not present in population databases (gnomAD no frequency). Disruption of this splice site has been observed in individuals with hypertrophic cardiomyopathy (internal data). ClinVar contains an entry for this variant (Variation ID: 2829431). Algorithms developed to predict the effect of sequence changes on RNA splicing suggest that this variant may disrupt the consensus splice site. For these reasons, this variant has been classified as Pathogenic.

Literature cited by the submitters: PubMed 16199547; PubMed 19574547.

NM_000256.3(MYBPC3):c.772+2T>C

Gene: MYBPC3 (myosin binding protein C3; minus strand). Cytogenetic location: 11p11.2.
Variant type: single nucleotide variant.
Coding change: c.772+2T>C on transcript NM_000256.3 (MANE Select); the canonical splice donor site of the intron after coding-DNA position 772, T replaced by C.
Molecular consequence: splice donor variant.
Genome position (GRCh38, 1-based): chr11:47,348,422, A>G on the plus strand (T>C on the coding strand, the complement: MYBPC3 is on the minus strand). VCF-style: chr11-47348422-A-G. GRCh37 (hg19) VCF-style: chr11-47369973-A-G.
Identifiers: ClinVar variation 2829431 (VCV002829431.3), dbSNP rs2495776642, ClinGen allele CA380334150.
Genomic context (GRCh38, chr11:47,348,422, plus strand): 5'-GAGGTAGGAGACCAGGACCCATGGGGAGCCCGAGCCCAGGACAGACACCAGGGCCCCCTC[A>G]CCGTGGACAGTGAGATTGAAGTTGGAGCAGTCAAATTTGTCCTTGGTGGACACCTCACAG-3'